The following is an entry in ClinVar:

ClinVar aggregate classification (germline): Uncertain significance. Review status: criteria provided, multiple submitters, no conflicts (2 of 4 stars). 2 submissions from 2 submitters: Uncertain significance (2). Last evaluated 2024-07-16.

Conditions:
Inborn genetic diseases. Identifiers: MedGen C0950123, MeSH D030342.

Allele frequency attached by ClinVar (database versions not stated): 1000 Genomes Project 0.00020; ESP Exome Variant Server 0.00023; 1000 Genomes Project 30x 0.00031.

Submissions (2):

Ambry Genetics
Classification: Uncertain significance for Inborn genetic diseases. Last evaluated: 2024-07-16. Review status: criteria provided, single submitter. Criteria: Ambry Variant Classification Scheme 2023. Collection method: clinical testing. Allele origin: germline.

GeneDx
Classification: Uncertain significance. Last evaluated: 2024-06-07. Review status: criteria provided, single submitter. Criteria: GeneDx Variant Classification Process June 2021. Collection method: clinical testing. Allele origin: germline. Affected: yes.
Comment: Has not been previously published as pathogenic or benign to our knowledge; In silico analysis indicates that this missense variant does not alter protein structure/function

NM_153212.3(GJB4):c.770C>T (p.Ser257Leu)

Gene: GJB4 (gap junction protein beta 4; plus strand). Cytogenetic location: 1p34.3.
Variant type: single nucleotide variant.
Coding change: c.770C>T on transcript NM_153212.3 (MANE Select); coding-DNA position 770, C replaced by T.
Protein change: p.Ser257Leu; replaces serine 257 with leucine.
Molecular consequence: missense variant.
Genome position (GRCh38, 1-based): chr1:34,762,024, C>T. VCF-style: chr1-34762024-C-T. GRCh37 (hg19) VCF-style: chr1-35227625-C-T.
Other names: short protein forms S257L.
Identifiers: ClinVar variation 3253120 (VCV003253120.2), dbSNP rs148656277.
Genomic context (GRCh38, chr1:34,762,024, plus strand): 5'-ATGTCCTCTCCCAGGGAGGGCACCCTGAGGATGGGAACTCTGTCCTAATGAAGGCTGGGT[C>T]GGCCCCAGTGGATGCAGGTGGGTATCCATAACCTGCGAGATCAGCAGATAAGATCAACAG-3'
Protein context (NP_694944.1, residues 247-266): DGNSVLMKAG[Ser257Leu]APVDAGGYP